The following is an entry in ClinVar:

NM_000245.4(MET):c.222T>A (p.Asn74Lys)

Gene: MET (MET proto-oncogene, receptor tyrosine kinase; plus strand). Cytogenetic location: 7q31.2.
Variant type: single nucleotide variant.
Coding change: c.222T>A on transcript NM_000245.4 (MANE Select); coding-DNA position 222, T replaced by A.
Protein change: p.Asn74Lys; replaces asparagine 74 with lysine.
Molecular consequence: missense variant. On other transcripts: intron variant (1).
Genome position (GRCh38, 1-based): chr7:116,699,306, T>A. VCF-style: chr7-116699306-T-A. GRCh37 (hg19) VCF-style: chr7-116339360-T-A.
Other names: c.222T>A, p.Asn74Lys (NM_001127500.3, NM_001324401.3); c.-91+26729T>A (NM_001324402.2); short protein forms N74K.
Identifiers: ClinVar variation 863105 (VCV000863105.10), dbSNP rs767934760, ClinGen allele CA164888000.

ClinVar aggregate classification (germline): Conflicting classifications of pathogenicity. Review status: criteria provided, conflicting classifications (1 of 4 stars). 2 submissions from 2 submitters: Uncertain significance (1); Likely benign (1). Last evaluated 2024-02-16.

Conditions:
Hereditary cancer-predisposing syndrome. Also called: Hereditary Cancer Syndrome; Tumor predisposition; Neoplastic Syndromes, Hereditary; Hereditary neoplastic syndrome. Identifiers: Orphanet 140162, MedGen C0027672, MeSH D009386, MONDO:0015356.
Renal cell carcinoma. Identifiers: Orphanet 217071, MedGen C0007134, MeSH D002292, MONDO:0005086, HP:0005584.

Allele frequency attached by ClinVar (database versions not stated): TOPMed below 0.00001.
gnomAD v4.1: 2 of 1,613,922 alleles (0.00012%); highest among the groups gnomAD compares: Admixed American, 0.0033%; no homozygotes.

Submissions (2):

Labcorp Genetics (formerly Invitae), Labcorp
Classification: Uncertain significance for Renal cell carcinoma. Last evaluated: 2024-02-16. Review status: criteria provided, single submitter. Criteria: Invitae Variant Classification Sherloc (09022015). Collection method: clinical testing. Allele origin: germline.
Comment: This sequence change replaces asparagine, which is neutral and polar, with lysine, which is basic and polar, at codon 74 of the MET protein (p.Asn74Lys). This variant is present in population databases (no rsID available, gnomAD 0.003%). This variant has not been reported in the literature in individuals affected with MET-related conditions. ClinVar contains an entry for this variant (Variation ID: 863105). Advanced modeling of protein sequence and biophysical properties (such as structural, functional, and spatial information, amino acid conservation, physicochemical variation, residue mobility, and thermodynamic stability) performed at Invitae indicates that this missense variant is not expected to disrupt MET protein function with a negative predictive value of 80%. In summary, the available evidence is currently insufficient to determine the role of this variant in disease. Therefore, it has been classified as a Variant of Uncertain Significance.

Ambry Genetics
Classification: Likely benign for Hereditary cancer-predisposing syndrome. Last evaluated: 2024-01-23. Review status: criteria provided, single submitter. Criteria: Ambry Variant Classification Scheme 2023. Collection method: clinical testing. Allele origin: germline.